The following is an entry in ClinVar:

NM_001168465.2(MAP7D2):c.1785T>G (p.Ser595Arg)

Gene: MAP7D2 (MAP7 domain containing 2; minus strand). Cytogenetic location: Xp22.12.
Variant type: single nucleotide variant.
Coding change: c.1785T>G on transcript NM_001168465.2 (MANE Select); coding-DNA position 1785, T replaced by G.
Protein change: p.Ser595Arg; replaces serine 595 with arginine.
Molecular consequence: missense variant.
Genome position (GRCh38, 1-based): chrX:20,013,590, A>C on the plus strand (T>G on the coding strand, the complement: MAP7D2 is on the minus strand). VCF-style: chrX-20013590-A-C. GRCh37 (hg19) VCF-style: chrX-20031708-A-C.
Other names: c.1527T>G, p.Ser509Arg (NM_001168466.2); c.1506T>G, p.Ser502Arg (NM_001168467.2); c.1662T>G, p.Ser554Arg (NM_152780.4); short protein forms S502R, S595R, S509R, S554R.
Identifiers: ClinVar variation 5023886 (VCV005023886.1).
Genomic context (GRCh38, chrX:20,013,590, plus strand): 5'-TAGTACATAAACTATTAAAATGGTCATTTGAATTCCTACCTTCACTTGTGGAGACACATC[A>C]CTTTTCCTTGTTCTCTTCATGATTTCATCTATTCTCTAAAAACAAAAAACAAAAAACAAA-3'
Protein context (NP_001161937.1, residues 585-605): IDEIMKRTRK[Ser595Arg]DVSPQVKKED

ClinVar aggregate classification (germline): Uncertain significance (1 of 4 stars; one submission).

gnomAD v4.1: 5 of 1,197,957 alleles (0.00042%); highest among the groups gnomAD compares: East Asian, 0.015%; no homozygotes.

Submission:

Ambry Genetics
Classification: Uncertain significance. Last evaluated: 2026-06-24. Review status: criteria provided, single submitter. Criteria: Ambry Variant Classification Scheme 2023. Collection method: clinical testing. Allele origin: germline.
Comment: The c.1785T>G (p.S595R) alteration is located in exon 13 (coding exon 13) of the MAP7D2 gene. This alteration results from a T to G substitution at nucleotide position 1785, causing the serine (S) at amino acid position 595 to be replaced by an arginine (R). Based on data from gnomAD, the G allele has an overall frequency of 0.001% (1/171752) total alleles studied. The highest observed frequency was 0.008% (1/12899) of East Asian alleles. Based on insufficient or conflicting evidence, the clinical significance of this alteration remains unclear.